The following is an entry in ClinVar:

ClinVar aggregate classification (germline): Uncertain significance. Review status: criteria provided, multiple submitters, no conflicts (2 of 4 stars). 2 submissions from 2 submitters: Uncertain significance (2). Last evaluated 2024-08-21.

Conditions:
Joubert syndrome 21 (JBTS21). Identifiers: MedGen C3810212, MONDO:0014288, OMIM 615636.

Allele frequency attached by ClinVar (database versions not stated): gnomAD exomes below 0.00001 and 0.00002; ExAC 0.00001; gnomAD 0.00001; TOPMed 0.00001.
gnomAD v4.1: 29 of 1,602,956 alleles (0.0018%); highest among the groups gnomAD compares: Non-Finnish European, 0.0024%; no homozygotes.

Submissions (2):

GeneDx
Classification: Uncertain significance. Last evaluated: 2024-08-21. Review status: criteria provided, single submitter. Criteria: GeneDx Variant Classification Process June 2021. Collection method: clinical testing. Allele origin: germline. Affected: yes.
Comment: Not observed at significant frequency in large population cohorts (gnomAD); In silico analysis indicates that this missense variant does not alter protein structure/function; Has not been previously published as pathogenic or benign to our knowledge

Labcorp Genetics (formerly Invitae), Labcorp
Classification: Uncertain significance for Joubert syndrome 21. Last evaluated: 2022-10-13. Review status: criteria provided, single submitter. Criteria: Invitae Variant Classification Sherloc (09022015). Collection method: clinical testing. Allele origin: germline.
Comment: In summary, the available evidence is currently insufficient to determine the role of this variant in disease. Therefore, it has been classified as a Variant of Uncertain Significance. Algorithms developed to predict the effect of missense changes on protein structure and function (SIFT, PolyPhen-2, Align-GVGD) all suggest that this variant is likely to be tolerated. ClinVar contains an entry for this variant (Variation ID: 1025656). This variant has not been reported in the literature in individuals affected with CSPP1-related conditions. The frequency data for this variant in the population databases is considered unreliable, as metrics indicate poor data quality at this position in the gnomAD database. This sequence change replaces histidine, which is basic and polar, with arginine, which is basic and polar, at codon 668 of the CSPP1 protein (p.His668Arg).

NM_001382391.1(CSPP1):c.2018A>G (p.His673Arg)

Gene: CSPP1 (centrosome and spindle pole associated protein 1; plus strand). Cytogenetic location: 8q13.2.
Variant type: single nucleotide variant.
Coding change: c.2018A>G on transcript NM_001382391.1 (MANE Select); coding-DNA position 2018, A replaced by G.
Protein change: p.His673Arg; replaces histidine 673 with arginine.
Molecular consequence: missense variant. On other transcripts: intron variant (3).
Genome position (GRCh38, 1-based): chr8:67,149,825, A>G. VCF-style: chr8-67149825-A-G. GRCh37 (hg19) VCF-style: chr8-68062060-A-G.
Other names: c.1937A>G, p.His646Arg (NM_001363131.2); c.2084A>G, p.His695Arg (NM_001364869.1); c.1904A>G, p.His635Arg (NM_001364870.1); c.2003A>G, p.His668Arg (NM_024790.7); c.1934-4199A>G (NM_001363132.2); c.1853-4199A>G (NM_001363133.2); c.1079-4199A>G (NM_001291339.2); short protein forms H635R, H646R, H668R, H673R, H695R.
Identifiers: ClinVar variation 1025656 (VCV001025656.7), dbSNP rs769707621, ClinGen allele CA4770723.